The following is an entry in ClinVar:

ClinVar aggregate classification (germline): Uncertain significance (0 of 4 stars; one submission).

Conditions:
PCSK1-related disorder. Also called: PCSK1-related condition.

gnomAD v4.1: 2 of 1,614,026 alleles (0.00012%); highest among the groups gnomAD compares: Admixed American, 0.0017%; no homozygotes.

Submission:

PreventionGenetics, part of Exact Sciences
Classification: Uncertain significance for PCSK1-related condition. Last evaluated: 2024-08-28. Review status: no assertion criteria provided. Collection method: clinical testing. Allele origin: germline.
Comment: The PCSK1 c.1884G>C variant is predicted to result in the amino acid substitution p.Glu628Asp. To our knowledge, this variant has not been reported in the literature. This variant is reported in 0.0046% of alleles in individuals of European (Finnish) descent in gnomAD. At this time, the clinical significance of this variant is uncertain due to the absence of conclusive functional and genetic evidence.

NM_000439.5(PCSK1):c.1884G>C (p.Glu628Asp)

Genes: CAST (calpastatin; plus strand), PCSK1 (proprotein convertase subtilisin/kexin type 1; minus strand), LOC101929710 (uncharacterized LOC101929710; plus strand). Cytogenetic location: 5q15.
Variant type: single nucleotide variant.
Coding change: c.1884G>C on transcript NM_000439.5 (MANE Select); coding-DNA position 1884, G replaced by C.
Protein change: p.Glu628Asp; replaces glutamic acid 628 with aspartic acid.
Molecular consequence: missense variant. On other transcripts: intron variant (11).
Genome position (GRCh38, 1-based): chr5:96,394,864, C>G on the plus strand (G>C on the coding strand, the complement: PCSK1 is on the minus strand). VCF-style: chr5-96394864-C-G. GRCh37 (hg19) VCF-style: chr5-95730568-C-G.
Other names: c.1743G>C, p.Glu581Asp (NM_001177875.2); c.-175+15212C>G (NM_001423254.1, NM_001423259.1, NM_001423255.1 and 6 more transcripts); c.-103+15212C>G (NM_001423253.1); c.-40+15212C>G (NM_001423258.1); short protein forms E581D, E628D.
Identifiers: ClinVar variation 3357138 (VCV003357138.1).